The following is an entry in ClinVar:

NM_147196.3(TMIE):c.23G>A (p.Gly8Asp)

Gene: TMIE (transmembrane inner ear; plus strand). Cytogenetic location: 3p21.31.
Variant type: single nucleotide variant.
Coding change: c.23G>A on transcript NM_147196.3 (MANE Select); coding-DNA position 23, G replaced by A.
Protein change: p.Gly8Asp; replaces glycine 8 with aspartic acid.
Molecular consequence: missense variant. On other transcripts: intron variant (2).
Genome position (GRCh38, 1-based): chr3:46,701,510, G>A. VCF-style: chr3-46701510-G-A. GRCh37 (hg19) VCF-style: chr3-46743000-G-A.
Other names: c.-66-4280G>A (NM_001370524.1, NM_001370525.1); short protein forms G8D.
Identifiers: ClinVar variation 4990265 (VCV004990265.1).
Genomic context (GRCh38, chr3:46,701,510, plus strand): 5'-TCGTCCCTGGGCTCCGCAAGCGGCGCGGTGGCACGAAGATGGCGGGGTGGCCGGGCGCGG[G>A]TCCCCTCTGCGTGCTGGGCGGCGCCGCACTCGGGGTGTGCCTCGCGGGGGTTGCCGGGCA-3'
Protein context (NP_671729.2, residues 1-18): MAGWPGA[Gly8Asp]PLCVLGGAAL

ClinVar aggregate classification (germline): Uncertain significance (1 of 4 stars; one submission).

Conditions:
TMIE-related disorder. Also called: TMIE-related condition.

gnomAD v4.1: 19 of 1,341,576 alleles (0.0014%); highest among the groups gnomAD compares: African/African-American, 0.0031%; no homozygotes.

Submission:

PreventionGenetics, part of Exact Sciences
Classification: Uncertain significance for TMIE-related condition. Last evaluated: 2026-06-13. Review status: criteria provided, single submitter. Criteria: ACMG Guidelines, 2015. Collection method: clinical testing. Allele origin: germline.
Comment: The TMIE c.23G>A variant is predicted to result in the amino acid substitution p.Gly8Asp. To our knowledge, this variant has not been reported in the literature or in a large population database (gnomAD), indicating this variant is rare. At this time, the clinical significance of this variant is uncertain due to the absence of conclusive functional and genetic evidence.